The following is an entry in ClinVar:

NM_000368.5(TSC1):c.1486_1489dup (p.Val497fs)

Gene: TSC1 (TSC complex subunit 1; minus strand). Cytogenetic location: 9q34.13.
Variant type: Duplication.
Coding change: c.1486_1489dup on transcript NM_000368.5 (MANE Select); coding-DNA positions 1486 to 1489, 4 bases duplicated (CCTG; older notation c.1486_1489dupCCTG).
Protein change: p.Val497fs; shifts the reading frame from valine 497.
Molecular consequence: frameshift variant. On other transcripts: non-coding transcript variant (5).
Genome position (GRCh38, 1-based): chr9:132,906,089-132,906,092, CAGG duplicated on the plus strand (CCTG on the coding strand, the reverse complement: TSC1 is on the minus strand); duplicating any 4 consecutive bases within chr9:132,906,089-132,906,093 gives the same sequence; the c. name uses the placement nearest the transcript's 3' end. VCF-style (leftmost placement, unchanged base first): chr9-132906088-A-ACAGG. GRCh37 (hg19) VCF-style: chr9-135781475-A-ACAGG.
Other names: c.1483_1486dup, p.Val496fs (NM_001406604.1, NM_001406608.1, NM_001406609.1 and 6 more transcripts); c.1486_1489dup, p.Val497fs (NM_001406605.1, NM_001406606.1, NM_001406607.1 and 7 more transcripts); c.1333_1336dup, p.Val446fs (NM_001406610.1, NM_001162427.2); c.1330_1333dup, p.Val445fs (NM_001406611.1, NM_001406612.1, NM_001406613.1); c.1123_1126dup, p.Val376fs (NM_001406614.1, NM_001406615.1, NM_001406616.1 and 5 more transcripts); c.1120_1123dup, p.Val375fs (NM_001406620.1, NM_001406621.1, NM_001406622.1 and 2 more transcripts); c.535_538dup, p.Val180fs (NM_001406626.1); c.532_535dup, p.Val179fs (NM_001406627.1, NM_001406628.1); and 1 more; short protein forms V179fs, V375fs, V146fs, V446fs, V376fs, V180fs, V445fs, V496fs.
Identifiers: ClinVar variation 3722910 (VCV003722910.2).

ClinVar aggregate classification (germline): Pathogenic (1 of 4 stars; one submission).

Conditions:
Tuberous sclerosis 1 (TSC1). Identifiers: Orphanet 805, MedGen C1854465, MONDO:0008612, OMIM 191100.

Submission:

Labcorp Genetics (formerly Invitae), Labcorp
Classification: Pathogenic for Tuberous sclerosis 1. Last evaluated: 2024-10-15. Review status: criteria provided, single submitter. Criteria: Invitae Variant Classification Sherloc (09022015). Collection method: clinical testing. Allele origin: germline.
Comment: This sequence change creates a premature translational stop signal (p.Val497Alafs*9) in the TSC1 gene. It is expected to result in an absent or disrupted protein product. Loss-of-function variants in TSC1 are known to be pathogenic (PMID: 10227394, 17304050). This variant is not present in population databases (gnomAD no frequency). This variant has not been reported in the literature in individuals affected with TSC1-related conditions. For these reasons, this variant has been classified as Pathogenic.

Literature cited by the submitters: PubMed 10227394; PubMed 17304050.